The following is an entry in ClinVar:

ClinVar aggregate classification (germline): Likely benign (1 of 4 stars; one submission).

Allele frequency attached by ClinVar (database versions not stated): ExAC 0.00217; 1000 Genomes Project 30x 0.00500; 1000 Genomes Project 0.00559.
gnomAD v4.1: 1,404 of 1,603,650 alleles (0.088%); highest among the groups gnomAD compares: East Asian, 1.8%; 12 homozygotes.

Submission:

GeneDx
Classification: Likely benign. Last evaluated: 2019-12-26. Review status: criteria provided, single submitter. Criteria: GeneDx Variant Classification Process June 2021. Collection method: clinical testing. Allele origin: germline. Affected: yes.
Comment: See Variant Classification Assertion Criteria.

NM_152415.3(VPS37A):c.714-61T>C

Gene: VPS37A (VPS37A subunit of ESCRT-I; plus strand). Cytogenetic location: 8p22.
Variant type: single nucleotide variant.
Coding change: c.714-61T>C on transcript NM_152415.3 (MANE Select); 61 bases into the intron before coding-DNA position 714, T replaced by C.
Molecular consequence: intron variant.
Genome position (GRCh38, 1-based): chr8:17,279,967, T>C. VCF-style: chr8-17279967-T-C. GRCh37 (hg19) VCF-style: chr8-17137476-T-C.
Other names: c.444-61T>C (NM_001363172.2, NM_001363168.1, NM_001363170.1 and 2 more transcripts); c.714-61T>C (NM_001363173.2, NM_001363167.1); c.639-61T>C (NM_001145152.2).
Identifiers: ClinVar variation 1803579 (VCV001803579.1), dbSNP rs117491556, ClinGen allele CA4643471.